The following is an entry in ClinVar:

ClinVar aggregate classification (germline): Benign (0 of 4 stars; one submission).

Conditions:
PPARGC1A-related disorder. Also called: PPARGC1A-related condition.

Allele frequency attached by ClinVar (database versions not stated): 1000 Genomes Project 30x 0.25656; TOPMed 0.25953; gnomAD 0.26289; ESP Exome Variant Server 0.26472; 1000 Genomes Project 0.26577; ExAC 0.30809.

Submission:

PreventionGenetics, part of Exact Sciences
Classification: Benign for PPARGC1A-related condition. Last evaluated: 2019-10-17. Review status: no assertion criteria provided. Collection method: clinical testing. Allele origin: germline.
Comment: This variant is classified as benign based on ACMG/AMP sequence variant interpretation guidelines (Richards et al. 2015 PMID: 25741868, with internal and published modifications).

NM_013261.5(PPARGC1A):c.1444G>A (p.Gly482Ser)

Gene: PPARGC1A (PPARG coactivator 1 alpha; minus strand). Cytogenetic location: 4p15.2.
Variant type: single nucleotide variant.
Coding change: c.1444G>A on transcript NM_013261.5 (MANE Select); coding-DNA position 1444, G replaced by A.
Protein change: p.Gly482Ser; replaces glycine 482 with serine.
Molecular consequence: missense variant. On other transcripts: non-coding transcript variant (7).
Genome position (GRCh38, 1-based): chr4:23,814,039, C>T on the plus strand (G>A on the coding strand, the complement: PPARGC1A is on the minus strand). VCF-style: chr4-23814039-C-T. GRCh37 (hg19) VCF-style: chr4-23815662-C-T.
Other names: c.1459G>A, p.Gly487Ser (NM_001330751.2, NM_001354825.2, NM_001354827.2); c.1408G>A, p.Gly470Ser (NM_001330752.2); c.1063G>A, p.Gly355Ser (NM_001330753.2, NM_001354826.2); short protein forms G355S, G470S, G482S, G487S.
Identifiers: ClinVar variation 3060597 (VCV003060597.2), dbSNP rs8192678, ClinGen allele CA2875253.
Genomic context (GRCh38, chr4:23,814,039, plus strand): 5'-TTATAAACATAGGTAGTTTGGAGAATTGTTCATTACTGAAATCACTGTCCCTCAGTTCAC[C>T]GGTCTTGTCTGCTTCGTCGTCAAAAACAGCTTGACTGGGATGACCGAAGTGCTTGTTCAG-3'
Protein context (NP_037393.1, residues 472-492): AVFDDEADKT[Gly482Ser]ELRDSDFSNE